The following is an entry in ClinVar:

NM_000038.6(APC):c.8208T>G (p.Thr2736=)

Gene: APC (APC regulator of Wnt signaling pathway; plus strand). Cytogenetic location: 5q22.2.
Variant type: single nucleotide variant.
Coding change: c.8208T>G on transcript NM_000038.6 (MANE Select); coding-DNA position 8208, T replaced by G.
Protein change: p.Thr2736=; no amino-acid change (threonine 2736 retained).
Molecular consequence: synonymous variant.
Genome position (GRCh38, 1-based): chr5:112,843,802, T>G. VCF-style: chr5-112843802-T-G. GRCh37 (hg19) VCF-style: chr5-112179499-T-G.
Other names: c.8208T>G, p.Thr2736= (NM_001127510.3, NM_001354895.2); c.8154T>G, p.Thr2718= (NM_001127511.3); c.8262T>G, p.Thr2754= (NM_001354896.2); c.8238T>G, p.Thr2746= (NM_001354897.2); c.8133T>G, p.Thr2711= (NM_001354898.2); c.8124T>G, p.Thr2708= (NM_001354899.2); c.8085T>G, p.Thr2695= (NM_001354900.2); c.8031T>G, p.Thr2677= (NM_001354901.2); and 5 more.
Identifiers: ClinVar variation 184361 (VCV000184361.21), dbSNP rs786201421, ClinGen allele CA014434.

ClinVar aggregate classification (germline): Benign/Likely benign. Review status: criteria provided, multiple submitters, no conflicts (2 of 4 stars). 5 submissions from 5 submitters: Benign (1); Likely benign (4). Last evaluated 2025-03-18.

Conditions:
Hereditary cancer-predisposing syndrome. Also called: Hereditary neoplastic syndrome; Neoplastic Syndromes, Hereditary; Tumor predisposition; Hereditary Cancer Syndrome. Identifiers: Orphanet 140162, MedGen C0027672, MeSH D009386, MONDO:0015356.
Classic or attenuated familial adenomatous polyposis. Identifiers: MedGen CN372698, MONDO:0021057.
Familial adenomatous polyposis 1 (FAP1). Also called: FAMILIAL ADENOMATOUS POLYPOSIS 1, ATTENUATED; POLYPOSIS, ADENOMATOUS INTESTINAL. Identifiers: MedGen C2713442, MONDO:0021056, OMIM 175100. Disease mechanism: loss of function.

gnomAD v4.1: 7 of 1,614,030 alleles (0.00043%); highest among the groups gnomAD compares: Non-Finnish European, 0.00059%; no homozygotes.

Submissions (5):

Labcorp Genetics (formerly Invitae), Labcorp
Classification: Likely benign for Familial adenomatous polyposis 1. Last evaluated: 2025-03-18. Review status: criteria provided, single submitter. Criteria: Invitae Variant Classification Sherloc (09022015). Collection method: clinical testing. Allele origin: germline.

Myriad Genetics, Inc.
Classification: Benign for Familial adenomatous polyposis 1. Last evaluated: 2024-04-12. Review status: criteria provided, single submitter. Criteria: Myriad Autosomal Dominant, Autosomal Recessive and X-Linked Classification Criteria (2023). Collection method: clinical testing. Allele origin: unknown.
Comment: This variant is considered benign. This variant is a silent/synonymous amino acid change and it is not expected to impact splicing.

All of Us Research Program, National Institutes of Health
Classification: Likely benign for Classic or attenuated familial adenomatous polyposis. Last evaluated: 2024-02-05. Review status: criteria provided, single submitter. Criteria: ACMG Guidelines, 2015. Collection method: clinical testing. Allele origin: germline. Inheritance: Autosomal dominant inheritance. Observed: 1 variant allele, 1 heterozygote.
Comment: This study involves interpretation of variants in research participants for the purpose of population health screening. Participant phenotype was not available at the time of variant classification. Additional details can be found in publication PMID: 35346344, PMCID: PMC8962531

GeneDx
Classification: Likely benign. Last evaluated: 2021-01-22. Review status: criteria provided, single submitter. Criteria: GeneDx Variant Classification Process June 2021. Collection method: clinical testing. Allele origin: germline. Affected: yes.

Ambry Genetics
Classification: Likely benign for Hereditary cancer-predisposing syndrome. Last evaluated: 2019-06-03. Review status: criteria provided, single submitter. Criteria: Ambry Variant Classification Scheme 2023. Collection method: clinical testing. Allele origin: germline.